The following is an entry in ClinVar:

NM_000278.5(PAX2):c.63C>A (p.Asn21Lys)

Gene: PAX2 (paired box 2; plus strand). Cytogenetic location: 10q24.31.
Variant type: single nucleotide variant.
Coding change: c.63C>A on transcript NM_000278.5 (MANE Select); coding-DNA position 63, C replaced by A.
Protein change: p.Asn21Lys; replaces asparagine 21 with lysine.
Molecular consequence: missense variant.
Genome position (GRCh38, 1-based): chr10:100,749,765, C>A. VCF-style: chr10-100749765-C-A. GRCh37 (hg19) VCF-style: chr10-102509522-C-A.
Other names: c.156C>A, p.Asn52Lys (NM_001304569.2); c.63C>A, p.Asn21Lys (NM_003987.5, NM_003988.5, NM_003989.5 and 1 more transcripts); short protein forms N21K, N52K.
Identifiers: ClinVar variation 3347266 (VCV003347266.1).

ClinVar aggregate classification (germline): Uncertain significance (0 of 4 stars; one submission).

Conditions:
PAX2-Related Disorder. Also called: PAX2-related disorders. Identifiers: MedGen CN381309.

Submission:

PreventionGenetics, part of Exact Sciences
Classification: Uncertain significance for PAX2-related condition. Last evaluated: 2024-09-12. Review status: no assertion criteria provided. Collection method: clinical testing. Allele origin: germline.
Comment: The PAX2 c.63C>A variant is predicted to result in the amino acid substitution p.Asn21Lys. To our knowledge, this variant has not been reported in the literature or in a large population database, indicating this variant is rare. At this time, the clinical significance of this variant is uncertain due to the absence of conclusive functional and genetic evidence.